The following is an entry in ClinVar:

NM_004958.4(MTOR):c.7514G>A (p.Arg2505Gln)

Gene: MTOR (mechanistic target of rapamycin kinase; minus strand). Cytogenetic location: 1p36.22.
Variant type: single nucleotide variant.
Coding change: c.7514G>A on transcript NM_004958.4 (MANE Select); coding-DNA position 7514, G replaced by A.
Protein change: p.Arg2505Gln; replaces arginine 2505 with glutamine.
Molecular consequence: missense variant.
Genome position (GRCh38, 1-based): chr1:11,109,304, C>T on the plus strand (G>A on the coding strand, the complement: MTOR is on the minus strand). VCF-style: chr1-11109304-C-T. GRCh37 (hg19) VCF-style: chr1-11169361-C-T.
Other names: short protein forms R2505Q.
Identifiers: ClinVar variation 939504 (VCV000939504.14), dbSNP rs1057519777, ClinGen allele CA338378549.

ClinVar aggregate classification (germline): Uncertain significance. Review status: criteria provided, multiple submitters, no conflicts (2 of 4 stars). 3 submissions from 3 submitters: Uncertain significance (3). Last evaluated 2024-07-11.

Allele frequency attached by ClinVar (database versions not stated): TOPMed below 0.00001; gnomAD exomes below 0.00001.
gnomAD v4.1: 1 of 1,614,074 alleles (0.000062%); highest among the groups gnomAD compares: Non-Finnish European, 0.000085%; no homozygotes.

Submissions (3):

GeneDx
Classification: Uncertain significance. Last evaluated: 2024-07-11. Review status: criteria provided, single submitter. Criteria: GeneDx Variant Classification Process June 2021. Collection method: clinical testing. Allele origin: germline. Affected: yes.
Comment: Published functional studies report that this variant results in increased S6K1 phosphorylation, but data supporting this assertion are not provided (PMID: 24631838); Has not been previously published as pathogenic or benign to our knowledge; Not observed at significant frequency in large population cohorts (gnomAD); In silico analysis supports that this missense variant has a deleterious effect on protein structure/function; This variant is associated with the following publications: (PMID: 24631838)

Blueprint Genetics
Classification: Uncertain significance. Last evaluated: 2022-04-05. Review status: criteria provided, single submitter. Criteria: ACMG Guidelines, 2015. Collection method: clinical testing. Allele origin: germline.

Labcorp Genetics (formerly Invitae), Labcorp
Classification: Uncertain significance. Last evaluated: 2020-04-29. Review status: criteria provided, single submitter. Criteria: Invitae Variant Classification Sherloc (09022015). Collection method: clinical testing. Allele origin: germline.
Comment: This sequence change replaces arginine with glutamine at codon 2505 of the MTOR protein (p.Arg2505Gln). The arginine residue is moderately conserved and there is a small physicochemical difference between arginine and glutamine. This variant is not present in population databases (ExAC no frequency). This variant has not been reported in the literature in individuals with MTOR-related conditions. This variant has been reported not to substantially affect MTOR protein function (PMID: 24631838). In summary, the available evidence is currently insufficient to determine the role of this variant in disease. Therefore, it has been classified as a Variant of Uncertain Significance.

Literature cited by the submitters: PubMed 24631838 (cited by Labcorp Genetics (formerly Invitae), Labcorp).